The following is an entry in ClinVar:

NM_018180.3(DHX32):c.1663C>G (p.Gln555Glu)

Genes: BCCIP (BRCA2 and CDKN1A interacting protein; plus strand), DHX32 (DEAH-box helicase 32 (putative); minus strand). Cytogenetic location: 10q26.2.
Variant type: single nucleotide variant.
Coding change: c.1663C>G on transcript NM_018180.3 (MANE Select); coding-DNA position 1663, C replaced by G.
Protein change: p.Gln555Glu; replaces glutamine 555 with glutamic acid.
Molecular consequence: missense variant. On other transcripts: intron variant (2).
Genome position (GRCh38, 1-based): chr10:125,840,877, G>C on the plus strand (C>G on the coding strand, the complement: DHX32 is on the minus strand). VCF-style: chr10-125840877-G-C. GRCh37 (hg19) VCF-style: chr10-127529446-G-C.
Other names: c.775-378G>C (NM_016567.4, NM_078469.3); short protein forms Q555E.
Identifiers: ClinVar variation 4798380 (VCV004798380.1).

ClinVar aggregate classification (germline): Uncertain significance (1 of 4 stars; one submission).

gnomAD v4.1: 3 of 1,604,738 alleles (0.00019%); highest among the groups gnomAD compares: Non-Finnish European, 0.00026%; no homozygotes.

Submission:

Labcorp Genetics (formerly Invitae), Labcorp
Classification: Uncertain significance. Last evaluated: 2026-01-14. Review status: criteria provided, single submitter. Criteria: Invitae Variant Classification Sherloc (09022015). Collection method: clinical testing. Allele origin: germline.
Comment: This sequence change replaces glutamine, which is neutral and polar, with glutamic acid, which is acidic and polar, at codon 555 of the DHX32 protein (p.Gln555Glu). This variant is not present in population databases (gnomAD no frequency). This variant has not been reported in the literature in individuals affected with DHX32-related conditions. An algorithm developed to predict the effect of missense changes on protein structure and function (PolyPhen-2) suggests that this variant is likely to be tolerated. In summary, the available evidence is currently insufficient to determine the role of this variant in disease. Therefore, it has been classified as a Variant of Uncertain Significance.